The following is an entry in ClinVar:

NM_000430.4(PAFAH1B1):c.178A>T (p.Arg60Ter)

Gene: PAFAH1B1 (platelet activating factor acetylhydrolase 1b regulatory subunit 1; plus strand). Cytogenetic location: 17p13.3.
Variant type: single nucleotide variant.
Coding change: c.178A>T on transcript NM_000430.4 (MANE Select); coding-DNA position 178, A replaced by T.
Protein change: p.Arg60Ter; replaces arginine 60 with a stop codon.
Molecular consequence: nonsense.
Genome position (GRCh38, 1-based): chr17:2,666,076, A>T. VCF-style: chr17-2666076-A-T. GRCh37 (hg19) VCF-style: chr17-2569370-A-T.
Other names: short protein forms R60*.
Identifiers: ClinVar variation 2851265 (VCV002851265.3), dbSNP rs2544088176, ClinGen allele CA397638463.

ClinVar aggregate classification (germline): Pathogenic (1 of 4 stars; one submission).

Submission:

Labcorp Genetics (formerly Invitae), Labcorp
Classification: Pathogenic. Last evaluated: 2023-03-31. Review status: criteria provided, single submitter. Criteria: Invitae Variant Classification Sherloc (09022015). Collection method: clinical testing. Allele origin: germline.
Comment: This sequence change creates a premature translational stop signal (p.Arg60*) in the PAFAH1B1 gene. It is expected to result in an absent or disrupted protein product. Loss-of-function variants in PAFAH1B1 are known to be pathogenic (PMID: 1671808, 11115846, 14581661). This variant is not present in population databases (gnomAD no frequency). This variant has not been reported in the literature in individuals affected with PAFAH1B1-related conditions. For these reasons, this variant has been classified as Pathogenic.

Literature cited by the submitters: PubMed 1671808; PubMed 11115846; PubMed 14581661.